The following is an entry in ClinVar:

ClinVar aggregate classification (germline): Uncertain significance (1 of 4 stars; one submission).

Conditions:
Neuromuscular disease caused by qualitative or quantitative defects of dysferlin. Also called: Qualitative or quantitative defects of dysferlin; Dysferlinopathy. Identifiers: Orphanet 207073, MedGen C2931687, MONDO:0016145.

Allele frequency attached by ClinVar (database versions not stated): gnomAD exomes below 0.00001; TOPMed below 0.00001; gnomAD 0.00001.
gnomAD v4.1: 6 of 1,614,118 alleles (0.00037%); highest among the groups gnomAD compares: Non-Finnish European, 0.00051%; no homozygotes.

Submission:

Labcorp Genetics (formerly Invitae), Labcorp
Classification: Uncertain significance for Neuromuscular disease caused by qualitative or quantitative defects of dysferlin. Last evaluated: 2021-10-07. Review status: criteria provided, single submitter. Criteria: Invitae Variant Classification Sherloc (09022015). Collection method: clinical testing. Allele origin: germline.
Comment: This sequence change replaces proline with leucine at codon 207 of the DYSF protein (p.Pro207Leu). The proline residue is weakly conserved and there is a moderate physicochemical difference between proline and leucine. This variant is not present in population databases (ExAC no frequency). This variant has not been reported in the literature in individuals affected with DYSF-related conditions. Algorithms developed to predict the effect of missense changes on protein structure and function are either unavailable or do not agree on the potential impact of this missense change (SIFT: "Deleterious"; PolyPhen-2: "Benign"; Align-GVGD: "Class C0"). In summary, the available evidence is currently insufficient to determine the role of this variant in disease. Therefore, it has been classified as a Variant of Uncertain Significance.

NM_001130987.2(DYSF):c.716C>T (p.Pro239Leu)

Gene: DYSF (dysferlin; plus strand). Cytogenetic location: 2p13.2.
Variant type: single nucleotide variant.
Coding change: c.716C>T on transcript NM_001130987.2 (MANE Select); coding-DNA position 716, C replaced by T.
Protein change: p.Pro239Leu; replaces proline 239 with leucine.
Molecular consequence: missense variant.
Genome position (GRCh38, 1-based): chr2:71,513,878, C>T. VCF-style: chr2-71513878-C-T. GRCh37 (hg19) VCF-style: chr2-71741008-C-T.
Other names: c.623C>T, p.Pro208Leu (NM_001130455.2, NM_001130983.2, NM_001130984.2 and 1 more transcripts); c.620C>T, p.Pro207Leu (NM_001130976.2, NM_001130977.2, NM_001130978.2 and 1 more transcripts); c.713C>T, p.Pro238Leu (NM_001130979.2, NM_001130980.2, NM_001130981.2); c.716C>T, p.Pro239Leu (NM_001130982.2, NM_001130985.2); short protein forms P239L, P207L, P208L, P238L.
Identifiers: ClinVar variation 2077372 (VCV002077372.1), dbSNP rs1263688960, ClinGen allele CA347207487.